The following is an entry in ClinVar:

ClinVar aggregate classification (germline): Uncertain significance. Review status: criteria provided, single submitter (1 of 4 stars). 2 submissions from 2 submitters: Uncertain significance (1). 1 of the submissions does not count toward it. Last evaluated 2020-02-25.

Conditions:
Glycine encephalopathy. Also called: Nonketotic hyperglycinemia; Non-ketotic hyperglycinemia. Identifiers: Orphanet 407, MedGen C0751748, MONDO:0011612, HP:0008288.

Allele frequency attached by ClinVar (database versions not stated): gnomAD exomes below 0.00001.
gnomAD v4.1: 2 of 1,612,216 alleles (0.00012%); highest among the groups gnomAD compares: Non-Finnish European, 0.000085%; no homozygotes.

Submissions (2):

Labcorp Genetics (formerly Invitae), Labcorp
Classification: Uncertain significance for Glycine encephalopathy. Last evaluated: 2020-02-25. Review status: criteria provided, single submitter. Criteria: Invitae Variant Classification Sherloc (09022015). Collection method: clinical testing. Allele origin: germline.
Comment: This sequence change falls in intron 3 of the GLDC gene. It does not directly change the encoded amino acid sequence of the GLDC protein, but it affects a nucleotide within the consensus splice site of the intron. This variant is not present in population databases (ExAC no frequency). This variant has not been reported in the literature in individuals with GLDC-related conditions. Nucleotide substitutions within the consensus splice site are a relatively common cause of aberrant splicing (PMID: 17576681, 9536098). Algorithms developed to predict the effect of sequence changes on RNA splicing suggest that this variant may disrupt the consensus splice site, but this prediction has not been confirmed by published transcriptional studies. In summary, the available evidence is currently insufficient to determine the role of this variant in disease. Therefore, it has been classified as a Variant of Uncertain Significance.

Natera, Inc.
Classification: Uncertain significance for Non-ketotic hyperglycinemia. Last evaluated: 2025-02-12. Review status: no assertion criteria provided. Collection method: clinical testing. Allele origin: germline. Not counted in ClinVar's aggregate classification.

Literature cited by the submitters: PubMed 17576681 (cited by Labcorp Genetics (formerly Invitae), Labcorp); PubMed 9536098 (cited by Labcorp Genetics (formerly Invitae), Labcorp).

NM_000170.3(GLDC):c.470+4A>G

Gene: GLDC (glycine decarboxylase; minus strand). Cytogenetic location: 9p24.1.
Variant type: single nucleotide variant.
Coding change: c.470+4A>G on transcript NM_000170.3 (MANE Select); 4 bases into the intron after coding-DNA position 470, A replaced by G.
Molecular consequence: intron variant.
Genome position (GRCh38, 1-based): chr9:6,620,180, T>C on the plus strand (A>G on the coding strand, the complement: GLDC is on the minus strand). VCF-style: chr9-6620180-T-C. GRCh37 (hg19) VCF-style: chr9-6620180-T-C.
Other names: c.470+4A>G (NM_000170.2).
Identifiers: ClinVar variation 1059378 (VCV001059378.8), dbSNP rs2129948774, ClinGen allele CA2499219928.